The following is an entry in ClinVar:

ClinVar aggregate classification (germline): Uncertain significance. Review status: criteria provided, multiple submitters, no conflicts (2 of 4 stars). 5 submissions from 5 submitters: Uncertain significance (5). Last evaluated 2025-04-13.

Conditions:
Primary familial dilated cardiomyopathy (FDC). Also called: Hypokinetic dilated cardiomyopathy, familial; Familial dilated cardiomyopathy. Identifiers: Orphanet 217607, MedGen C0340427, MONDO:0016333.
Dilated cardiomyopathy 1HH (CMD1HH). Identifiers: Orphanet 154, MedGen C3151293, MONDO:0013479, OMIM 613881.
Myofibrillar myopathy 6. Identifiers: Orphanet 199340, MedGen C2751831, MONDO:0013061, OMIM 612954.

Submissions (5):

Labcorp Genetics (formerly Invitae), Labcorp
Classification: Uncertain significance for Dilated cardiomyopathy 1HH; Myofibrillar myopathy 6. Last evaluated: 2025-04-13. Review status: criteria provided, single submitter. Criteria: Invitae Variant Classification Sherloc (09022015). Collection method: clinical testing. Allele origin: germline.
Comment: This variant, c.552_554del, results in the deletion of 1 amino acid(s) of the BAG3 protein (p.Ser185del), but otherwise preserves the integrity of the reading frame. This variant is present in population databases (no rsID available, gnomAD 0.0009%). This variant has not been reported in the literature in individuals affected with BAG3-related conditions. ClinVar contains an entry for this variant (Variation ID: 410240). In summary, the available evidence is currently insufficient to determine the role of this variant in disease. Therefore, it has been classified as a Variant of Uncertain Significance.

Fulgent Genetics
Classification: Uncertain significance for Myofibrillar myopathy 6; Dilated cardiomyopathy 1HH. Last evaluated: 2021-10-12. Review status: criteria provided, single submitter. Criteria: ACMG Guidelines, 2015. Collection method: clinical testing. Allele origin: unknown.

GeneDx
Classification: Uncertain significance. Last evaluated: 2020-01-31. Review status: criteria provided, single submitter. Criteria: GeneDx Variant Classification Process June 2021. Collection method: clinical testing. Allele origin: germline. Affected: yes.
Comment: Has not been previously published as pathogenic or benign to our knowledge; Not observed at a significant frequency in large population cohorts (Lek et al., 2016); In silico analysis supports that this variant does not alter protein structure/function

Revvity Omics, Revvity
Classification: Uncertain significance. Last evaluated: 2019-01-25. Review status: criteria provided, single submitter. Criteria: ACMG Guidelines, 2015. Collection method: clinical testing. Allele origin: germline.

Molecular Diagnostic Laboratory for Inherited Cardiovascular Disease, Montreal Heart Institute
Classification: Uncertain significance for Familial dilated cardiomyopathy. Review status: criteria provided, single submitter. Criteria: ACMG Guidelines, 2015. Collection method: clinical testing. Allele origin: germline. Affected: yes.

NM_004281.4(BAG3):c.549CTC[1] (p.Ser185del)

Gene: BAG3 (BAG cochaperone 3; plus strand). Cytogenetic location: 10q26.11.
Variant type: Microsatellite.
Coding change: c.549CTC[1] on transcript NM_004281.4 (MANE Select); one copy of the 3-base unit CTC starting at c.549; the reference has two copies in a row; one copy, 3 bases deleted; also written c.552_554del.
Protein change: p.Ser185del; deletes serine 185.
Molecular consequence: inframe deletion.
Genome position (GRCh38, 1-based): chr10:119,672,299-119,672,301, CTC deleted; deleting any 3 consecutive bases within chr10:119,672,294-119,672,301 gives the same sequence; the position shown is the placement nearest the transcript's 3' end. VCF-style (leftmost placement, unchanged base first): chr10-119672293-ATCC-A. GRCh37 (hg19) VCF-style: chr10-121431805-ATCC-A.
Other names: c.552_554delCTC (NM_004281.3); c.552_554del (NM_004281.4); short protein forms S185del.
Identifiers: ClinVar variation 410240 (VCV000410240.15), dbSNP rs763170019, ClinGen allele CA16612847.
Genomic context (GRCh38, chr10:119,672,293, plus strand): 5'-CTCTACCCTGTGTCTCTTGCAGCGGTCCCAGTCTCCAGCTGCCTCTGACTGCTCATCCTC[ATCC>A]TCCTCGGCCAGCCTGCCTTCCTCCGGCAGGAGCAGCCTGGGCAGTCACCAGCTCCCGCGG-3'